The following is an entry in ClinVar:

NM_000550.3(TYRP1):c.*853A>C

Genes: TYRP1 (tyrosinase related protein 1; plus strand), LURAP1L-AS1 (LURAP1L antisense RNA 1; minus strand). Cytogenetic location: 9p23.
Variant type: single nucleotide variant.
Coding change: c.*853A>C on transcript NM_000550.3 (MANE Select); 853 bases downstream of the stop codon, A replaced by C.
Molecular consequence: 3 prime UTR variant.
Genome position (GRCh38, 1-based): chr9:12,710,035, A>C. VCF-style: chr9-12710035-A-C. GRCh37 (hg19) VCF-style: chr9-12710035-A-C.
Identifiers: ClinVar variation 364872 (VCV000364872.6), dbSNP rs910, ClinGen allele CA10632570.

ClinVar aggregate classification (germline): Benign. Review status: criteria provided, multiple submitters, no conflicts (2 of 4 stars). 2 submissions from 2 submitters: Benign (2). Last evaluated 2018-01-13.

Conditions:
Oculocutaneous albinism type 3 (OCA3). Also called: ALBINISM III; RUFOUS OCULOCUTANEOUS ALBINISM; XANTHISM; Albinism, oculocutaneous, type III; Rufous OCA; Rufous albinism. Identifiers: Orphanet 79433, MedGen C0342683, MONDO:0008747, OMIM 203290.

Allele frequency attached by ClinVar (database versions not stated): 1000 Genomes Project 0.26158; 1000 Genomes Project 30x 0.26280; TOPMed 0.45502; gnomAD 0.48418 and 0.49606.

Submissions (2):

Illumina Laboratory Services, Illumina
Classification: Benign for Oculocutaneous albinism type 3. Last evaluated: 2018-01-13. Review status: criteria provided, single submitter. Criteria: ICSL Variant Classification Criteria 13 December 2019. Collection method: clinical testing. Allele origin: germline.
Comment: This variant was observed in the ICSL laboratory as part of a predisposition screen in an ostensibly healthy population. It had not been previously curated by ICSL or reported in the Human Gene Mutation Database (HGMD: prior to June 1st, 2018), and was therefore a candidate for classification through an automated scoring system. Utilizing variant allele frequency, disease prevalence and penetrance estimates, and inheritance mode, an automated score was calculated to assess if this variant is too frequent to cause the disease. Based on the score and internal cut-off values, a variant classified as benign is not then subjected to further curation. The score for this variant resulted in a classification of benign for this disease.

Breakthrough Genomics
Classification: Benign. Review status: criteria provided, single submitter. Criteria: ACMG Guidelines, 2015. Collection method: not provided. Allele origin: germline. Inheritance: Autosomal recessive inheritance. Affected: yes.